The following is an entry in ClinVar:

NM_021072.4(HCN1):c.1955C>G (p.Ser652Cys)

Gene: HCN1 (hyperpolarization activated cyclic nucleotide gated potassium channel 1; minus strand). Cytogenetic location: 5p12.
Variant type: single nucleotide variant.
Coding change: c.1955C>G on transcript NM_021072.4 (MANE Select); coding-DNA position 1955, C replaced by G.
Protein change: p.Ser652Cys; replaces serine 652 with cysteine.
Molecular consequence: missense variant.
Genome position (GRCh38, 1-based): chr5:45,262,639, G>C on the plus strand (C>G on the coding strand, the complement: HCN1 is on the minus strand). VCF-style: chr5-45262639-G-C. GRCh37 (hg19) VCF-style: chr5-45262741-G-C.
Other names: c.1955C>G (NM_021072.3); short protein forms S652C.
Identifiers: ClinVar variation 2160179 (VCV002160179.6), dbSNP rs768576555, ClinGen allele CA3259191.

ClinVar aggregate classification (germline): Uncertain significance. Review status: criteria provided, multiple submitters, no conflicts (2 of 4 stars). 3 submissions from 3 submitters: Uncertain significance (3). Last evaluated 2025-09-16.

Conditions:
Inborn genetic diseases. Identifiers: MedGen C0950123, MeSH D030342.
Early-infantile DEE. Also called: Early infantile epileptic encephalopathy with suppression bursts; Ohtahara syndrome; Early infantile epileptic encephalopathy. Identifiers: Orphanet 1934, MedGen C0393706, MONDO:0800491.

Submissions (3):

Labcorp Genetics (formerly Invitae), Labcorp
Classification: Uncertain significance for Early-infantile DEE. Last evaluated: 2025-09-16. Review status: criteria provided, single submitter. Criteria: Invitae Variant Classification Sherloc (09022015). Collection method: clinical testing. Allele origin: germline.
Comment: This sequence change replaces serine, which is neutral and polar, with cysteine, which is neutral and slightly polar, at codon 652 of the HCN1 protein (p.Ser652Cys). This variant is not present in population databases (gnomAD no frequency). This missense change has been observed in individual(s) with clinical features of HCN1-related conditions (internal data). ClinVar contains an entry for this variant (Variation ID: 2160179). Invitae Evidence Modeling of protein sequence and biophysical properties (such as structural, functional, and spatial information, amino acid conservation, physicochemical variation, residue mobility, and thermodynamic stability) indicates that this missense variant is not expected to disrupt HCN1 protein function with a negative predictive value of 95%. In summary, the available evidence is currently insufficient to determine the role of this variant in disease. Therefore, it has been classified as a Variant of Uncertain Significance.

Blueprint Genetics
Classification: Uncertain significance. Last evaluated: 2023-04-17. Review status: criteria provided, single submitter. Criteria: ACMG Guidelines, 2015. Collection method: clinical testing. Allele origin: germline.

Ambry Genetics
Classification: Uncertain significance for Inborn genetic diseases. Last evaluated: 2021-08-12. Review status: criteria provided, single submitter. Criteria: Ambry Variant Classification Scheme 2023. Collection method: clinical testing. Allele origin: germline.